The following is an entry in ClinVar:

ClinVar aggregate classification (germline): Likely pathogenic. Review status: criteria provided, multiple submitters, no conflicts (2 of 4 stars). 2 submissions from 2 submitters: Likely pathogenic (2). Last evaluated 2026-01-12.

Conditions:
Cardiovascular phenotype. Identifiers: MedGen CN230736.
Autosomal recessive limb-girdle muscular dystrophy type 2J (LGMDR10). Also called: Limb-girdle muscular dystrophy, type 2J; MUSCULAR DYSTROPHY, LIMB-GIRDLE, AUTOSOMAL RECESSIVE 10. Identifiers: Orphanet 140922, MedGen C1837342, MONDO:0012127, OMIM 608807.
Dilated cardiomyopathy 1G (CMD1G). Identifiers: Orphanet 154, MedGen C1858763, MONDO:0011400, OMIM 604145.

Submissions (2):

Labcorp Genetics (formerly Invitae), Labcorp
Classification: Likely pathogenic for Dilated cardiomyopathy 1G; Autosomal recessive limb-girdle muscular dystrophy type 2J. Last evaluated: 2026-01-12. Review status: criteria provided, single submitter. Criteria: Invitae Variant Classification Sherloc (09022015). Collection method: clinical testing. Allele origin: germline.
Comment: This sequence change creates a premature translational stop signal (p.Gln26540*) in the TTN gene. While this is not anticipated to result in nonsense mediated decay, it is expected to create a truncated TTN protein. This variant is not present in population databases (gnomAD no frequency). This variant has not been reported in the literature in individuals affected with TTN-related conditions. ClinVar contains an entry for this variant (Variation ID: 3812314). This variant is located in the A band of TTN (PMID: 25589632). Truncating variants in this region are significantly overrepresented in patients affected with dilated cardiomyopathy (PMID: 25589632). Truncating variants in this region have also been reported in individuals affected with autosomal recessive centronuclear myopathy (PMID: 23975875). In summary, the currently available evidence indicates that the variant is pathogenic, but additional data are needed to prove that conclusively. Therefore, this variant has been classified as Likely Pathogenic.

Ambry Genetics
Classification: Likely pathogenic for Cardiovascular phenotype. Last evaluated: 2025-02-28. Review status: criteria provided, single submitter. Criteria: Ambry Variant Classification Scheme 2023. Collection method: clinical testing. Allele origin: germline.
Comment: The c.52423C>T (p.Q17475*) alteration, located in exon 154 (coding exon 153) of the TTN gene, consists of a C to T substitution at nucleotide position 52423. This changes the amino acid from a glutamine (Q) to a stop codon at amino acid position 17475. This variant is expected to result in loss of function by premature protein truncation or nonsense-mediated mRNA decay. This variant was not reported in population-based cohorts in the Genome Aggregation Database (gnomAD). This exon is located in the A-band region of the N2-B isoform of the titin protein and is constitutively expressed in TTN transcripts (percent spliced in or PSI 100%). Based on the available evidence, this alteration is classified as likely pathogenic.

Literature cited by the submitters: PubMed 25589632 (cited by Labcorp Genetics (formerly Invitae), Labcorp); PubMed 23975875 (cited by Labcorp Genetics (formerly Invitae), Labcorp).

NM_001267550.2(TTN):c.79618C>T (p.Gln26540Ter)

Genes: TTN-AS1 (TTN antisense RNA 1; plus strand), TTN (titin; minus strand). Cytogenetic location: 2q31.2.
Variant type: single nucleotide variant.
Coding change: c.79618C>T on transcript NM_001267550.2 (MANE Select); coding-DNA position 79618, C replaced by T.
Protein change: p.Gln26540Ter; replaces glutamine 26540 with a stop codon.
Molecular consequence: nonsense.
Genome position (GRCh38, 1-based): chr2:178,566,514, G>A on the plus strand (C>T on the coding strand, the complement: TTN is on the minus strand). VCF-style: chr2-178566514-G-A. GRCh37 (hg19) VCF-style: chr2-179431241-G-A.
Other names: c.74695C>T, p.Gln24899Ter (NM_001256850.1); c.52423C>T, p.Gln17475Ter (NM_003319.4); c.71914C>T, p.Gln23972Ter (NM_133378.4); c.52798C>T, p.Gln17600Ter (NM_133432.3); c.52999C>T, p.Gln17667Ter (NM_133437.4); short protein forms Q17667*, Q24899*, Q17600*, Q17475*, Q26540*, Q23972*.
Identifiers: ClinVar variation 3812314 (VCV003812314.2).